The following is an entry in ClinVar:

ClinVar aggregate classification (germline): Conflicting classifications of pathogenicity. Review status: criteria provided, conflicting classifications (1 of 4 stars). 2 submissions from 2 submitters: Likely pathogenic (1); Uncertain significance (1). Last evaluated 2024-04-09.

Conditions:
Retinal dystrophy. Also called: Inherited retinal dystrophy. Identifiers: Orphanet 71862, MedGen C0854723, MeSH D058499, MONDO:0019118, HP:0000556.
Usher syndrome type 2A. Also called: RETINAL DISEASE IN USHER SYNDROME TYPE IIA, MODIFIER OF; USHER SYNDROME, TYPE IIA. Identifiers: Orphanet 231178, Orphanet 886, MedGen C1848634, MONDO:0010169, OMIM 276901.

Submissions (2):

Natera, Inc.
Classification: Likely pathogenic for Usher syndrome type 2A. Last evaluated: 2024-04-09. Review status: criteria provided, single submitter. Criteria: Natera Variant Classification Schema (03/2026). Collection method: clinical testing. Allele origin: germline.
Comment: The c.4871A>T variant in USH2A is a missense variant predicted to cause substitution of aspartic acid to valine at amino acid 1624. This variant is rare in the general population with a frequency below the threshold expected for the associated phenotype(s). This variant has been observed in one or more individuals affected with the associated recessive disease, as either homozygous or compound heterozygous with a second variant (PMID: 35452909). Additionally, this variant has been observed to segregate in affected family members (PMID: 35452909). Computational prediction algorithms indicate this variant is likely to affect gene or protein function. Given the available evidence, this variant is classified as Likely Pathogenic.

Institute of Human Genetics, Univ. Regensburg, Univ. Regensburg
Classification: Uncertain significance for Retinal dystrophy. Last evaluated: 2023-01-01. Review status: criteria provided, single submitter. Criteria: ACMG Guidelines, 2015. Collection method: clinical testing. Allele origin: germline. Affected: yes.

Literature cited by the submitters: PubMed 35452909 (cited by Natera, Inc. and Institute of Human Genetics, Univ. Regensburg, Univ. Regensburg).

NM_206933.4(USH2A):c.4871A>T (p.Asp1624Val)

Gene: USH2A (usherin; minus strand). Cytogenetic location: 1q41.
Variant type: single nucleotide variant.
Coding change: c.4871A>T on transcript NM_206933.4 (MANE Select); coding-DNA position 4871, A replaced by T.
Protein change: p.Asp1624Val; replaces aspartic acid 1624 with valine.
Molecular consequence: missense variant.
Genome position (GRCh38, 1-based): chr1:216,089,027, T>A on the plus strand (A>T on the coding strand, the complement: USH2A is on the minus strand). VCF-style: chr1-216089027-T-A. GRCh37 (hg19) VCF-style: chr1-216262369-T-A.
Other names: c.4871A>T (NM_206933.2); short protein forms D1624V.
Identifiers: ClinVar variation 3248785 (VCV003248785.2).